The following is an entry in ClinVar:

ClinVar aggregate classification (germline): Likely benign. Review status: criteria provided, multiple submitters, no conflicts (2 of 4 stars). 4 submissions from 4 submitters: Likely benign (4). Last evaluated 2025-12-23.

Conditions:
Myofibrillar myopathy 5. Also called: Filaminopathy (type); FILAMINOPATHY, AUTOSOMAL DOMINANT. Identifiers: Orphanet 171445, MedGen C1836050, MONDO:0012289, OMIM 609524.
Hypertrophic cardiomyopathy 26. Also called: Cardiomyopathy, familial hypertrophic, 26. Identifiers: Orphanet 75249, MedGen C4310749, MONDO:0014883, OMIM 617047.
Distal myopathy with posterior leg and anterior hand involvement. Also called: WILLIAMS DISTAL MYOPATHY. Identifiers: Orphanet 63273, MedGen C3279722, MONDO:0013550, OMIM 614065.
Cardiovascular phenotype. Identifiers: MedGen CN230736.

Allele frequency attached by ClinVar (database versions not stated): gnomAD exomes 0.00001 and 0.00004; TOPMed 0.00002; ExAC 0.00004; 1000 Genomes Project 30x 0.00016; 1000 Genomes Project 0.00020.

Submissions (4):

Labcorp Genetics (formerly Invitae), Labcorp
Classification: Likely benign for Distal myopathy with posterior leg and anterior hand involvement; Myofibrillar myopathy 5; Hypertrophic cardiomyopathy 26. Last evaluated: 2025-12-23. Review status: criteria provided, single submitter. Criteria: Invitae Variant Classification Sherloc (09022015). Collection method: clinical testing. Allele origin: germline.

Ambry Genetics
Classification: Likely benign for Cardiovascular phenotype. Last evaluated: 2023-05-25. Review status: criteria provided, single submitter. Criteria: Ambry Variant Classification Scheme 2023. Collection method: clinical testing. Allele origin: germline.

GeneDx
Classification: Likely benign. Last evaluated: 2017-09-06. Review status: criteria provided, single submitter. Criteria: GeneDx Variant Classification (06012015). Collection method: clinical testing. Allele origin: germline. Affected: yes.
Comment: This variant is considered likely benign or benign based on one or more of the following criteria: it is a conservative change, it occurs at a poorly conserved position in the protein, it is predicted to be benign by multiple in silico algorithms, and/or has population frequency not consistent with disease.

Breakthrough Genomics
Classification: Likely benign. Review status: criteria provided, single submitter. Criteria: ACMG Guidelines, 2015. Collection method: not provided. Allele origin: germline. Inheritance: Autosomal dominant inheritance. Affected: yes.

NM_001458.5(FLNC):c.6957C>T (p.Ala2319=)

Genes: FLNC (filamin C; plus strand), FLNC-AS1 (FLNC antisense RNA 1; minus strand). Cytogenetic location: 7q32.1.
Variant type: single nucleotide variant.
Coding change: c.6957C>T on transcript NM_001458.5 (MANE Select); coding-DNA position 6957, C replaced by T.
Protein change: p.Ala2319=; no amino-acid change (alanine 2319 retained).
Molecular consequence: synonymous variant.
Genome position (GRCh38, 1-based): chr7:128,854,642, C>T. VCF-style: chr7-128854642-C-T. GRCh37 (hg19) VCF-style: chr7-128494696-C-T.
Other names: c.6858C>T, p.Ala2286= (NM_001127487.2).
Identifiers: ClinVar variation 383310 (VCV000383310.13), dbSNP rs553639480, ClinGen allele CA4476118.